The following is an entry in ClinVar:

ClinVar aggregate classification (germline): Uncertain significance (1 of 4 stars; one submission).

Allele frequency attached by ClinVar (database versions not stated): TOPMed below 0.00001; gnomAD 0.00001; ExAC 0.00006; 1000 Genomes Project 0.00020; 1000 Genomes Project 30x 0.00031.
gnomAD v4.1: 13 of 1,485,036 alleles (0.00088%); highest among the groups gnomAD compares: African/African-American, 0.0028%; no homozygotes.

Submission:

CeGaT Center for Human Genetics Tuebingen
Classification: Uncertain significance. Last evaluated: 2022-08-01. Review status: criteria provided, single submitter. Criteria: CeGaT Center For Human Genetics Tuebingen Variant Classification Criteria Version 2. Collection method: clinical testing. Allele origin: germline. Affected: yes. Observed: 1 variant allele.
Comment: PSRC1: PM2, BP4

NM_001032291.3(PSRC1):c.79C>T (p.Arg27Cys)

Gene: PSRC1 (proline and serine rich coiled-coil 1; minus strand). Cytogenetic location: 1p13.3.
Variant type: single nucleotide variant.
Coding change: c.79C>T on transcript NM_001032291.3 (MANE Select); coding-DNA position 79, C replaced by T.
Protein change: p.Arg27Cys; replaces arginine 27 with cysteine.
Molecular consequence: missense variant.
Genome position (GRCh38, 1-based): chr1:109,282,059, G>A on the plus strand (C>T on the coding strand, the complement: PSRC1 is on the minus strand). VCF-style: chr1-109282059-G-A. GRCh37 (hg19) VCF-style: chr1-109824681-G-A.
Other names: c.79C>T, p.Arg27Cys (NM_001005290.4, NM_001350237.2, NM_001350238.2 and 10 more transcripts); short protein forms R27C.
Identifiers: ClinVar variation 2638978 (VCV002638978.24), dbSNP rs531649180, ClinGen allele CA989040.